The following is an entry in ClinVar:

ClinVar aggregate classification (germline): Benign (1 of 4 stars; one submission).

Conditions:
LGR4-related disorder. Also called: LGR4-related condition.

gnomAD v4.1: 48,744 of 1,613,686 alleles (3%); highest among the groups gnomAD compares: Middle Eastern, 6.5%; 844 homozygotes.

Submission:

PreventionGenetics, part of Exact Sciences
Classification: Benign for LGR4-related condition. Last evaluated: 2026-03-20. Review status: criteria provided, single submitter. Criteria: ACMG Guidelines, 2015. Collection method: clinical testing. Allele origin: germline.
Comment: This variant is classified as benign based on ACMG/AMP sequence variant interpretation guidelines (Richards et al. 2015 PMID: 25741868, with internal and published modifications).

NM_018490.5(LGR4):c.2126C>T (p.Thr709Met)

Gene: LGR4 (leucine rich repeat containing G protein-coupled receptor 4; minus strand). Cytogenetic location: 11p14.1.
Variant type: single nucleotide variant.
Coding change: c.2126C>T on transcript NM_018490.5 (MANE Select); coding-DNA position 2126, C replaced by T.
Protein change: p.Thr709Met; replaces threonine 709 with methionine.
Molecular consequence: missense variant.
Genome position (GRCh38, 1-based): chr11:27,368,597, G>A on the plus strand (C>T on the coding strand, the complement: LGR4 is on the minus strand). VCF-style: chr11-27368597-G-A. GRCh37 (hg19) VCF-style: chr11-27390144-G-A.
Other names: c.2054C>T, p.Thr685Met (NM_001346432.2); short protein forms T685M, T709M.
Identifiers: ClinVar variation 5000819 (VCV005000819.1).
Genomic context (GRCh38, chr11:27,368,597, plus strand): 5'-TATAGTTTAGTGTAGATAACGGCCATTAATAAAAATGCTAGTGAGTTTAATAGCACTAAC[G>A]TTACAGTGAATCCTAATGATGGCGTTTCACCTGTAGGAAATGGCAAACAAAGGGGTGATG-3'
Protein context (NP_060960.2, residues 699-719): GETPSLGFTV[Thr709Met]LVLLNSLAFL